The following is an entry in ClinVar:

ClinVar aggregate classification (germline): Pathogenic (1 of 4 stars; one submission).

Submission:

Labcorp Genetics (formerly Invitae), Labcorp
Classification: Pathogenic. Last evaluated: 2023-01-12. Review status: criteria provided, single submitter. Criteria: Invitae Variant Classification Sherloc (09022015). Collection method: clinical testing. Allele origin: germline.
Comment: For these reasons, this variant has been classified as Pathogenic. This variant has not been reported in the literature in individuals affected with NBAS-related conditions. This variant is not present in population databases (gnomAD no frequency). This sequence change creates a premature translational stop signal (p.Arg1368Serfs*8) in the NBAS gene. It is expected to result in an absent or disrupted protein product. Loss-of-function variants in NBAS are known to be pathogenic (PMID: 26073778, 26541327, 27789416, 28031453).

Literature cited by the submitters: PubMed 26073778; PubMed 26541327; PubMed 27789416; PubMed 28031453.

NM_015909.4(NBAS):c.4104_4105del (p.Arg1368fs)

Gene: NBAS (NBAS subunit of NRZ tethering complex; minus strand). Cytogenetic location: 2p24.3.
Variant type: Microsatellite.
Coding change: c.4104_4105del on transcript NM_015909.4 (MANE Select); coding-DNA positions 4104 to 4105, 2 bases deleted (AG; older notation c.4104_4105delAG).
Protein change: p.Arg1368fs; shifts the reading frame from arginine 1368.
Molecular consequence: frameshift variant. On other transcripts: non-coding transcript variant (1).
Genome position (GRCh38, 1-based): chr2:15,352,066-15,352,067, CT deleted on the plus strand (AG on the coding strand, the reverse complement: NBAS is on the minus strand); deleting any 2 consecutive bases within chr2:15,352,066-15,352,069 gives the same sequence; the c. name uses the placement nearest the transcript's 3' end. VCF-style (leftmost placement, unchanged base first): chr2-15352065-ACT-A. GRCh37 (hg19) VCF-style: chr2-15492189-ACT-A.
Other names: short protein forms R1368fs.
Identifiers: ClinVar variation 2827869 (VCV002827869.3), dbSNP rs2528567165, ClinGen allele CA2739274139.